The following is an entry in ClinVar:

NM_014365.3(HSPB8):c.10G>C (p.Gly4Arg)

Gene: HSPB8 (heat shock protein family B (small) member 8; plus strand). Cytogenetic location: 12q24.23.
Variant type: single nucleotide variant.
Coding change: c.10G>C on transcript NM_014365.3 (MANE Select); coding-DNA position 10, G replaced by C.
Protein change: p.Gly4Arg; replaces glycine 4 with arginine.
Molecular consequence: missense variant.
Genome position (GRCh38, 1-based): chr12:119,179,322, G>C. VCF-style: chr12-119179322-G-C. GRCh37 (hg19) VCF-style: chr12-119617127-G-C.
Other names: short protein forms G4R.
Identifiers: ClinVar variation 3707851 (VCV003707851.2).

ClinVar aggregate classification (germline): Uncertain significance (1 of 4 stars; one submission).

Conditions:
Charcot-Marie-Tooth disease axonal type 2L. Also called: Charcot-Marie-Tooth Neuropathy Type 2L; CHARCOT-MARIE-TOOTH DISEASE, AXONAL, AUTOSOMAL DOMINANT, TYPE 2L; CHARCOT-MARIE-TOOTH NEUROPATHY, AXONAL, TYPE 2L. Identifiers: Orphanet 99945, MedGen C1837552, MONDO:0012096, OMIM 608673.

gnomAD v4.1: 9 of 1,613,710 alleles (0.00056%); highest among the groups gnomAD compares: Non-Finnish European, 0.00068%; no homozygotes.

Submission:

Labcorp Genetics (formerly Invitae), Labcorp
Classification: Uncertain significance for Charcot-Marie-Tooth disease axonal type 2L. Last evaluated: 2024-10-24. Review status: criteria provided, single submitter. Criteria: Invitae Variant Classification Sherloc (09022015). Collection method: clinical testing. Allele origin: germline.
Comment: This sequence change replaces glycine, which is neutral and non-polar, with arginine, which is basic and polar, at codon 4 of the HSPB8 protein (p.Gly4Arg). This variant is present in population databases (no rsID available, gnomAD 0.0009%). This variant has not been reported in the literature in individuals affected with HSPB8-related conditions. An algorithm developed to predict the effect of missense changes on protein structure and function (PolyPhen-2) suggests that this variant is likely to be disruptive. In summary, the available evidence is currently insufficient to determine the role of this variant in disease. Therefore, it has been classified as a Variant of Uncertain Significance.